The following is an entry in ClinVar:

NM_152383.5(DIS3L2):c.1433A>G (p.Asp478Gly)

Gene: DIS3L2 (DIS3 like 3'-5' exoribonuclease 2; plus strand). Cytogenetic location: 2q37.1.
Variant type: single nucleotide variant.
Coding change: c.1433A>G on transcript NM_152383.5 (MANE Select); coding-DNA position 1433, A replaced by G.
Protein change: p.Asp478Gly; replaces aspartic acid 478 with glycine.
Molecular consequence: missense variant. On other transcripts: non-coding transcript variant (2).
Genome position (GRCh38, 1-based): chr2:232,263,214, A>G. VCF-style: chr2-232263214-A-G. GRCh37 (hg19) VCF-style: chr2-233127924-A-G.
Other names: c.1433A>G, p.Asp478Gly (NM_001257281.2); short protein forms D478G.
Identifiers: ClinVar variation 851242 (VCV000851242.9), dbSNP rs1266855678, ClinGen allele CA350975123.

ClinVar aggregate classification (germline): Uncertain significance (1 of 4 stars; one submission).

Conditions:
Perlman syndrome (PRLMNS). Identifiers: Orphanet 2849, MedGen C0796113, MONDO:0009965, OMIM 267000.

Allele frequency attached by ClinVar (database versions not stated): gnomAD exomes below 0.00001; TOPMed 0.00001.
gnomAD v4.1: 3 of 1,614,204 alleles (0.00019%); highest among the groups gnomAD compares: African/African-American, 0.004%; no homozygotes.

Submission:

Labcorp Genetics (formerly Invitae), Labcorp
Classification: Uncertain significance for Perlman syndrome. Last evaluated: 2024-12-23. Review status: criteria provided, single submitter. Criteria: Invitae Variant Classification Sherloc (09022015). Collection method: clinical testing. Allele origin: germline.
Comment: This sequence change replaces aspartic acid, which is acidic and polar, with glycine, which is neutral and non-polar, at codon 478 of the DIS3L2 protein (p.Asp478Gly). This variant is not present in population databases (gnomAD no frequency). This variant has not been reported in the literature in individuals affected with DIS3L2-related conditions. ClinVar contains an entry for this variant (Variation ID: 851242). Invitae Evidence Modeling of protein sequence and biophysical properties (such as structural, functional, and spatial information, amino acid conservation, physicochemical variation, residue mobility, and thermodynamic stability) indicates that this missense variant is not expected to disrupt DIS3L2 protein function with a negative predictive value of 80%. In summary, the available evidence is currently insufficient to determine the role of this variant in disease. Therefore, it has been classified as a Variant of Uncertain Significance.